The following is an entry in ClinVar:

ClinVar aggregate classification (germline): Likely benign (0 of 4 stars; one submission).

Conditions:
ADCY3-related disorder. Also called: ADCY3-related condition.

gnomAD v4.1: 30 of 1,597,700 alleles (0.0019%); highest among the groups gnomAD compares: Non-Finnish European, 0.0024%; no homozygotes.

Submission:

PreventionGenetics, part of Exact Sciences
Classification: Likely benign for ADCY3-related condition. Last evaluated: 2020-12-15. Review status: no assertion criteria provided. Collection method: clinical testing. Allele origin: germline.
Comment: This variant is classified as likely benign based on ACMG/AMP sequence variant interpretation guidelines (Richards et al. 2015 PMID: 25741868, with internal and published modifications).

NM_004036.5(ADCY3):c.1125C>G (p.Gly375=)

Gene: ADCY3 (adenylate cyclase 3; minus strand). Cytogenetic location: 2p23.3.
Variant type: single nucleotide variant.
Coding change: c.1125C>G on transcript NM_004036.5 (MANE Select); coding-DNA position 1125, C replaced by G.
Protein change: p.Gly375=; no amino-acid change (glycine 375 retained).
Molecular consequence: synonymous variant.
Genome position (GRCh38, 1-based): chr2:24,841,330, G>C on the plus strand (C>G on the coding strand, the complement: ADCY3 is on the minus strand). VCF-style: chr2-24841330-G-C. GRCh37 (hg19) VCF-style: chr2-25064199-G-C.
Other names: c.1125C>G, p.Gly375= (NM_001320613.2, NM_001377128.1, NM_001377129.1 and 2 more transcripts); c.402C>G, p.Gly134= (NM_001377131.1).
Identifiers: ClinVar variation 3358154 (VCV003358154.1).